The following is an entry in ClinVar:

NM_003743.5(NCOA1):c.2658C>T (p.Gly886=)

Gene: NCOA1 (nuclear receptor coactivator 1; plus strand). Cytogenetic location: 2p23.3.
Variant type: single nucleotide variant.
Coding change: c.2658C>T on transcript NM_003743.5 (MANE Select); coding-DNA position 2658, C replaced by T.
Protein change: p.Gly886=; no amino-acid change (glycine 886 retained).
Molecular consequence: synonymous variant.
Genome position (GRCh38, 1-based): chr2:24,726,647, C>T. VCF-style: chr2-24726647-C-T. GRCh37 (hg19) VCF-style: chr2-24949516-C-T.
Other names: c.2658C>T, p.Gly886= (NM_001362950.1, NM_001362952.1, NM_001362954.1 and 3 more transcripts).
Identifiers: ClinVar variation 4980703 (VCV004980703.1).

ClinVar aggregate classification (germline): Likely benign (1 of 4 stars; one submission).

Conditions:
NCOA1-related disorder. Also called: NCOA1-related condition.

gnomAD v4.1: 12 of 1,610,590 alleles (0.00075%); highest among the groups gnomAD compares: Admixed American, 0.0017%; no homozygotes.

Submission:

PreventionGenetics, part of Exact Sciences
Classification: Likely benign for NCOA1-related condition. Last evaluated: 2025-06-30. Review status: criteria provided, single submitter. Criteria: ACMG Guidelines, 2015. Collection method: clinical testing. Allele origin: germline.
Comment: This variant is classified as likely benign based on ACMG/AMP sequence variant interpretation guidelines (Richards et al. 2015 PMID: 25741868, with internal and published modifications).